The following is an entry in ClinVar:

NM_182760.4(SUMF1):c.164_170del (p.Pro55fs)

Genes: SUMF1 (sulfatase modifying factor 1; minus strand), LOC129936056 (ATAC-STARR-seq lymphoblastoid silent region 14016; plus strand). Cytogenetic location: 3p26.1.
Variant type: Deletion.
Coding change: c.164_170del on transcript NM_182760.4 (MANE Select); coding-DNA positions 164 to 170, 7 bases deleted (CCCAGCG; older notation c.164_170delCCCAGCG).
Protein change: p.Pro55fs; shifts the reading frame from proline 55.
Molecular consequence: frameshift variant.
Genome position (GRCh38, 1-based): chr3:4,467,076-4,467,082, CGCTGGG deleted on the plus strand (CCCAGCG on the coding strand, the reverse complement: SUMF1 is on the minus strand). VCF-style (leftmost placement, unchanged base first): chr3-4467075-CCGCTGGG-C. GRCh37 (hg19) VCF-style: chr3-4508759-CCGCTGGG-C.
Other names: c.164_170del, p.Pro55fs (NM_001164674.2, NM_001164675.2); short protein forms P55fs.
Identifiers: ClinVar variation 2032625 (VCV002032625.4), dbSNP rs2470079699, ClinGen allele CA2580069159.

ClinVar aggregate classification (germline): Pathogenic (1 of 4 stars; one submission).

Conditions:
Multiple sulfatase deficiency (MSD). Also called: Mucosulfatidosis; Multiple Sulfatase Deficiency Disease; Sulfatidosis, Juvenile, Austin Type. Identifiers: Orphanet 585, MedGen C0268263, MONDO:0010088, OMIM 272200.

Submission:

Labcorp Genetics (formerly Invitae), Labcorp
Classification: Pathogenic for Multiple sulfatase deficiency. Last evaluated: 2022-09-26. Review status: criteria provided, single submitter. Criteria: Invitae Variant Classification Sherloc (09022015). Collection method: clinical testing. Allele origin: germline.
Comment: This sequence change creates a premature translational stop signal (p.Pro55Argfs*52) in the SUMF1 gene. It is expected to result in an absent or disrupted protein product. Loss-of-function variants in SUMF1 are known to be pathogenic (PMID: 12757705, 12757706, 25885655). This variant is not present in population databases (gnomAD no frequency). This variant has not been reported in the literature in individuals affected with SUMF1-related conditions. For these reasons, this variant has been classified as Pathogenic.

Literature cited by the submitters: PubMed 12757705; PubMed 12757706; PubMed 25885655.